The following is an entry in ClinVar:

NM_022167.4(XYLT2):c.1584C>G (p.Pro528=)

Gene: XYLT2 (xylosyltransferase 2; plus strand). Cytogenetic location: 17q21.33.
Variant type: single nucleotide variant.
Coding change: c.1584C>G on transcript NM_022167.4 (MANE Select); coding-DNA position 1584, C replaced by G.
Protein change: p.Pro528=; no amino-acid change (proline 528 retained).
Molecular consequence: synonymous variant.
Genome position (GRCh38, 1-based): chr17:50,356,612, C>G. VCF-style: chr17-50356612-C-G. GRCh37 (hg19) VCF-style: chr17-48433973-C-G.
Identifiers: ClinVar variation 3056856 (VCV003056856.2), dbSNP rs141474571, ClinGen allele CA8646497.

ClinVar aggregate classification (germline): Likely benign (0 of 4 stars; one submission).

Conditions:
XYLT2-related disorder. Also called: XYLT2-related condition.

Allele frequency attached by ClinVar (database versions not stated): 1000 Genomes Project 30x 0.00016.
gnomAD v4.1: 5 of 1,614,150 alleles (0.00031%); highest among the groups gnomAD compares: East Asian, 0.011%; no homozygotes.

Submission:

PreventionGenetics, part of Exact Sciences
Classification: Likely benign for XYLT2-related condition. Last evaluated: 2019-04-29. Review status: no assertion criteria provided. Collection method: clinical testing. Allele origin: germline.
Comment: This variant is classified as likely benign based on ACMG/AMP sequence variant interpretation guidelines (Richards et al. 2015 PMID: 25741868, with internal and published modifications).